The following is an entry in ClinVar:

ClinVar aggregate classification (germline): Likely benign. Review status: criteria provided, multiple submitters, no conflicts (2 of 4 stars). 4 submissions from 4 submitters: Likely benign (3). 1 of the submissions does not count toward it. Last evaluated 2025-12-30.

Conditions:
RNASEH2B-related disorder. Also called: RNASEH2B-related condition.
Aicardi-Goutieres syndrome 2. Identifiers: Orphanet 51, MedGen C3489724, MONDO:0012429, OMIM 610181.

Allele frequency attached by ClinVar (database versions not stated): gnomAD exomes 0.00007; ExAC 0.00012; ESP Exome Variant Server 0.00015; TOPMed 0.00025; gnomAD 0.00029 and 0.00031; 1000 Genomes Project 30x 0.00047; 1000 Genomes Project 0.00060.
gnomAD v4.1: 78 of 1,605,572 alleles (0.0049%); highest among the groups gnomAD compares: African/African-American, 0.084%; no homozygotes.

Submissions (4):

Labcorp Genetics (formerly Invitae), Labcorp
Classification: Likely benign for Aicardi-Goutieres syndrome 2. Last evaluated: 2025-12-30. Review status: criteria provided, single submitter. Criteria: Invitae Variant Classification Sherloc (09022015). Collection method: clinical testing. Allele origin: germline.

Blueprint Genetics
Classification: Likely benign. Last evaluated: 2022-09-13. Review status: criteria provided, single submitter. Criteria: ACMG Guidelines, 2015. Collection method: clinical testing. Allele origin: germline.

CeGaT Center for Human Genetics Tuebingen
Classification: Likely benign. Last evaluated: 2022-09-01. Review status: criteria provided, single submitter. Criteria: CeGaT Center For Human Genetics Tuebingen Variant Classification Criteria Version 2. Collection method: clinical testing. Allele origin: germline. Affected: yes. Observed: 1 variant allele.
Comment: RNASEH2B: BP4, BP7

PreventionGenetics, part of Exact Sciences
Classification: Likely benign for RNASEH2B-related condition. Last evaluated: 2019-08-14. Review status: no assertion criteria provided. Collection method: clinical testing. Allele origin: germline. Not counted in ClinVar's aggregate classification.
Comment: This variant is classified as likely benign based on ACMG/AMP sequence variant interpretation guidelines (Richards et al. 2015 PMID: 25741868, with internal and published modifications).

NM_024570.4(RNASEH2B):c.762G>A (p.Glu254=)

Gene: RNASEH2B (ribonuclease H2 subunit B; plus strand). Cytogenetic location: 13q14.3.
Variant type: single nucleotide variant.
Coding change: c.762G>A on transcript NM_024570.4 (MANE Select); coding-DNA position 762, G replaced by A.
Protein change: p.Glu254=; no amino-acid change (glutamic acid 254 retained).
Molecular consequence: synonymous variant. On other transcripts: intron variant (1).
Genome position (GRCh38, 1-based): chr13:50,953,925, G>A. VCF-style: chr13-50953925-G-A. GRCh37 (hg19) VCF-style: chr13-51528061-G-A.
Other names: c.741+4420G>A (NM_001142279.2).
Identifiers: ClinVar variation 766842 (VCV000766842.36), dbSNP rs146378238, ClinGen allele CA6985704.
Genomic context (GRCh38, chr13:50,953,925, plus strand): 5'-AAGTGACATTTGACACCACTTCACTGCTCTAATGTTGCAGAAAATAAAGTTATCAGATGA[G>A]CCTGTAGAAGCAAAAGAAGATTACACTAAGTTTAATACTAAAGATTTGAAGACTGAAAAG-3'
Protein context (NP_078846.2, residues 244-264): PPSKKIKLSD[Glu254=]PVEAKEDYTK